The following is an entry in ClinVar:

NM_006204.4(PDE6C):c.1935+4C>T

Gene: PDE6C (phosphodiesterase 6C; plus strand). Cytogenetic location: 10q23.33.
Variant type: single nucleotide variant.
Coding change: c.1935+4C>T on transcript NM_006204.4 (MANE Select); 4 bases into the intron after coding-DNA position 1935, C replaced by T.
Molecular consequence: intron variant.
Genome position (GRCh38, 1-based): chr10:93,646,051, C>T. VCF-style: chr10-93646051-C-T. GRCh37 (hg19) VCF-style: chr10-95405808-C-T.
Identifiers: ClinVar variation 301635 (VCV000301635.12), dbSNP rs373290960, ClinGen allele CA5610338.
Genomic context (GRCh38, chr10:93,646,051, plus strand): 5'-TCTTCTATTTTGGAGAGGCACCACCTGGAGTACAGTAAGACTCTGTTGCAGGATGAGGTA[C>T]GTAAACCTCTCTTTAGGACAGCTAAACACAAATTCTGGATCAAAGCACTAACCCACAGAA-3'

ClinVar aggregate classification (germline): Conflicting classifications of pathogenicity. Review status: criteria provided, conflicting classifications (1 of 4 stars). 4 submissions from 3 submitters: Uncertain significance (3); Likely benign (1). Last evaluated 2022-07-18.

Conditions:
Cone dystrophy 4 (COD4). Identifiers: Orphanet 49382, MedGen C2751308, MONDO:0013129, OMIM 613093.
Achromatopsia. Also called: Rod monochromatism. Identifiers: Orphanet 49382, MedGen C0152200, MONDO:0018852, HP:0011516.

Allele frequency attached by ClinVar (database versions not stated): gnomAD exomes 0.00006 and 0.00007; ESP Exome Variant Server 0.00008; gnomAD 0.00008 and 0.00010; ExAC 0.00010; TOPMed 0.00003.
gnomAD v4.1: 89 of 1,509,596 alleles (0.0059%); highest among the groups gnomAD compares: Middle Eastern, 0.034%; 2 homozygotes.

Submissions (4):

Labcorp Genetics (formerly Invitae), Labcorp
Classification: Uncertain significance. Last evaluated: 2022-07-18. Review status: criteria provided, single submitter. Criteria: Invitae Variant Classification Sherloc (09022015). Collection method: clinical testing. Allele origin: germline.
Comment: This sequence change falls in intron 15 of the PDE6C gene. It does not directly change the encoded amino acid sequence of the PDE6C protein. It affects a nucleotide within the consensus splice site. This variant is present in population databases (rs373290960, gnomAD 0.01%). This variant has not been reported in the literature in individuals affected with PDE6C-related conditions. ClinVar contains an entry for this variant (Variation ID: 301635). Variants that disrupt the consensus splice site are a relatively common cause of aberrant splicing (PMID: 17576681, 9536098). Algorithms developed to predict the effect of sequence changes on RNA splicing suggest that this variant is not likely to affect RNA splicing. In summary, the available evidence is currently insufficient to determine the role of this variant in disease. Therefore, it has been classified as a Variant of Uncertain Significance.

Blueprint Genetics
Classification: Likely benign. Last evaluated: 2022-07-17. Review status: criteria provided, single submitter. Criteria: ACMG Guidelines, 2015. Collection method: clinical testing. Allele origin: germline.

Illumina Laboratory Services, Illumina
Classification: Uncertain significance for Achromatopsia. Last evaluated: 2018-01-13. Review status: criteria provided, single submitter. Criteria: ICSL Variant Classification Criteria 13 December 2019. Collection method: clinical testing. Allele origin: germline.

Illumina Laboratory Services, Illumina
Classification: Uncertain significance for Cone dystrophy 4. Last evaluated: 2018-01-13. Review status: criteria provided, single submitter. Criteria: ICSL Variant Classification Criteria 13 December 2019. Collection method: clinical testing. Allele origin: germline.

Literature cited by the submitters: PubMed 17576681 (cited by Labcorp Genetics (formerly Invitae), Labcorp); PubMed 9536098 (cited by Labcorp Genetics (formerly Invitae), Labcorp).